The following is an entry in ClinVar:

ClinVar aggregate classification (germline): Uncertain significance (1 of 4 stars; one submission).

Submission:

Labcorp Genetics (formerly Invitae), Labcorp
Classification: Uncertain significance. Last evaluated: 2022-09-02. Review status: criteria provided, single submitter. Criteria: Invitae Variant Classification Sherloc (09022015). Collection method: clinical testing. Allele origin: germline.
Comment: In summary, the available evidence is currently insufficient to determine the role of this variant in disease. Therefore, it has been classified as a Variant of Uncertain Significance. Algorithms developed to predict the effect of missense changes on protein structure and function are either unavailable or do not agree on the potential impact of this missense change (SIFT: "Tolerated"; PolyPhen-2: "Possibly Damaging"; Align-GVGD: "Class C0"). This variant has not been reported in the literature in individuals affected with CD81-related conditions. This variant is not present in population databases (gnomAD no frequency). This sequence change replaces glycine, which is neutral and non-polar, with serine, which is neutral and polar, at codon 229 of the CD81 protein (p.Gly229Ser).

NM_004356.4(CD81):c.685G>A (p.Gly229Ser)

Gene: CD81 (CD81 molecule; plus strand). Cytogenetic location: 11p15.5.
Variant type: single nucleotide variant.
Coding change: c.685G>A on transcript NM_004356.4 (MANE Select); coding-DNA position 685, G replaced by A.
Protein change: p.Gly229Ser; replaces glycine 229 with serine.
Molecular consequence: missense variant.
Genome position (GRCh38, 1-based): chr11:2,396,840, G>A. VCF-style: chr11-2396840-G-A. GRCh37 (hg19) VCF-style: chr11-2418070-G-A.
Other names: c.472G>A, p.Gly158Ser (NM_001297649.2); short protein forms G158S, G229S.
Identifiers: ClinVar variation 1718690 (VCV001718690.5), dbSNP rs2496548328, ClinGen allele CA379125510.